The following is an entry in ClinVar:

ClinVar aggregate classification (germline): Uncertain significance (1 of 4 stars; one submission).

Conditions:
Rhabdoid tumor predisposition syndrome 2 (RTPS2). Identifiers: Orphanet 231108, Orphanet 69077, MedGen C2750074, MONDO:0013224, OMIM 613325.

Submission:

Labcorp Genetics (formerly Invitae), Labcorp
Classification: Uncertain significance for Rhabdoid tumor predisposition syndrome 2. Last evaluated: 2023-07-10. Review status: criteria provided, single submitter. Criteria: Invitae Variant Classification Sherloc (09022015). Collection method: clinical testing. Allele origin: germline.
Comment: In summary, the available evidence is currently insufficient to determine the role of this variant in disease. Therefore, it has been classified as a Variant of Uncertain Significance. Advanced modeling of protein sequence and biophysical properties (such as structural, functional, and spatial information, amino acid conservation, physicochemical variation, residue mobility, and thermodynamic stability) performed at Invitae indicates that this missense variant is not expected to disrupt SMARCA4 protein function. ClinVar contains an entry for this variant (Variation ID: 664947). This variant has not been reported in the literature in individuals affected with SMARCA4-related conditions. This variant is not present in population databases (gnomAD no frequency). This sequence change replaces proline, which is neutral and non-polar, with serine, which is neutral and polar, at codon 171 of the SMARCA4 protein (p.Pro171Ser).

NM_003072.5(SMARCA4):c.511C>T (p.Pro171Ser)

Gene: SMARCA4 (SWI/SNF related BAF chromatin remodeling complex subunit ATPase 4; plus strand). Cytogenetic location: 19p13.2.
Variant type: single nucleotide variant.
Coding change: c.511C>T on transcript NM_003072.5 (MANE Select); coding-DNA position 511, C replaced by T.
Protein change: p.Pro171Ser; replaces proline 171 with serine.
Molecular consequence: missense variant. On other transcripts: non-coding transcript variant (1).
Genome position (GRCh38, 1-based): chr19:10,986,344, C>T. VCF-style: chr19-10986344-C-T. GRCh37 (hg19) VCF-style: chr19-11097020-C-T.
Other names: c.511C>T, p.Pro171Ser (NM_001128844.3, NM_001128845.2, NM_001128846.2 and 5 more transcripts); short protein forms P171S.
Identifiers: ClinVar variation 664947 (VCV000664947.8), dbSNP rs1599950466, ClinGen allele CA404056197.
Genomic context (GRCh38, chr19:10,986,344, plus strand): 5'-GGTGCCCCGCTGGATGGTGCTGACCCCCAGGCCTTGGGGCAGCAGAACCGGGGCCCAACC[C>T]CATTTAACCAGAACCAGCTGCACCAGCTCAGAGCTCAGATCATGGCCTACAAGATGCTGG-3'
Protein context (NP_003063.2, residues 161-181): ALGQQNRGPT[Pro171Ser]FNQNQLHQLR